The following is an entry in ClinVar:

ClinVar aggregate classification (germline): Likely benign. Review status: criteria provided, multiple submitters, no conflicts (2 of 4 stars). 2 submissions from 2 submitters: Likely benign (2). Last evaluated 2026-06-01.

Allele frequency attached by ClinVar (database versions not stated): ExAC 0.00011; gnomAD exomes 0.00030; gnomAD 0.00035.
gnomAD v4.1: 484 of 1,613,538 alleles (0.03%); highest among the groups gnomAD compares: Non-Finnish European, 0.038%; no homozygotes.

Submissions (2):

CeGaT Center for Human Genetics Tuebingen
Classification: Likely benign. Last evaluated: 2026-06-01. Review status: criteria provided, single submitter. Criteria: CeGaT Center For Human Genetics Tuebingen Variant Classification Criteria Version 2. Collection method: clinical testing. Allele origin: germline. Affected: yes. Observed: 2 variant alleles.
Comment: OR2V2: BP4, BP7

Ambry Genetics
Classification: Likely benign. Last evaluated: 2023-12-15. Review status: criteria provided, single submitter. Criteria: Ambry Variant Classification Scheme 2023. Collection method: clinical testing. Allele origin: germline.

NM_206880.2(OR2V2):c.48A>G (p.Leu16=)

Gene: OR2V2 (olfactory receptor family 2 subfamily V member 2; plus strand). Cytogenetic location: 5q35.3.
Variant type: single nucleotide variant.
Coding change: c.48A>G on transcript NM_206880.2 (MANE Select); coding-DNA position 48, A replaced by G.
Protein change: p.Leu16=; no amino-acid change (leucine 16 retained).
Molecular consequence: synonymous variant.
Genome position (GRCh38, 1-based): chr5:181,154,990, A>G. VCF-style: chr5-181154990-A-G. GRCh37 (hg19) VCF-style: chr5-180581990-A-G.
Identifiers: ClinVar variation 3205319 (VCV003205319.14), dbSNP rs779199232, ClinGen allele CA3609844.
Genomic context (GRCh38, chr5:181,154,990, plus strand): 5'-CAACAACCGAGCCATGGAGACGTGGGTGAACCAGTCCTACACAGATGGCTTCTTCCTCTT[A>G]GGCATCTTCTCCCACAGTACTGCTGACCTTGTCCTCTTCTCCGTGGTTATGGCGGTCTTC-3'
Protein context (NP_996763.1, residues 6-26): NQSYTDGFFL[Leu16=]GIFSHSTADL